The following is an entry in ClinVar:

NM_022765.4(MICAL1):c.1463A>C (p.Lys488Thr)

Gene: MICAL1 (microtubule associated monooxygenase, calponin and LIM domain containing 1; minus strand). Cytogenetic location: 6q21.
Variant type: single nucleotide variant.
Coding change: c.1463A>C on transcript NM_022765.4 (MANE Select); coding-DNA position 1463, A replaced by C.
Protein change: p.Lys488Thr; replaces lysine 488 with threonine.
Molecular consequence: missense variant.
Genome position (GRCh38, 1-based): chr6:109,449,453, T>G on the plus strand (A>C on the coding strand, the complement: MICAL1 is on the minus strand). VCF-style: chr6-109449453-T-G. GRCh37 (hg19) VCF-style: chr6-109770656-T-G.
Other names: c.1205A>C, p.Lys402Thr (NM_001159291.2); c.1520A>C, p.Lys507Thr (NM_001286613.2); short protein forms K507T, K402T, K488T.
Identifiers: ClinVar variation 2192594 (VCV002192594.4), dbSNP rs916570475, ClinGen allele CA145120018.

ClinVar aggregate classification (germline): Uncertain significance (1 of 4 stars; one submission).

Allele frequency attached by ClinVar (database versions not stated): gnomAD 0.00001; gnomAD exomes 0.00002; TOPMed 0.00002.
gnomAD v4.1: 27 of 1,614,086 alleles (0.0017%); highest among the groups gnomAD compares: Non-Finnish European, 0.0019%; no homozygotes.

Submission:

Labcorp Genetics (formerly Invitae), Labcorp
Classification: Uncertain significance. Last evaluated: 2023-12-30. Review status: criteria provided, single submitter. Criteria: Invitae Variant Classification Sherloc (09022015). Collection method: clinical testing. Allele origin: germline.
Comment: This sequence change replaces lysine, which is basic and polar, with threonine, which is neutral and polar, at codon 507 of the MICAL1 protein (p.Lys507Thr). This variant is present in population databases (no rsID available, gnomAD 0.007%). This variant has not been reported in the literature in individuals affected with MICAL1-related conditions. ClinVar contains an entry for this variant (Variation ID: 2192594). An algorithm developed to predict the effect of missense changes on protein structure and function (PolyPhen-2) suggests that this variant is likely to be tolerated. In summary, the available evidence is currently insufficient to determine the role of this variant in disease. Therefore, it has been classified as a Variant of Uncertain Significance.